The following is an entry in ClinVar:

ClinVar aggregate classification (germline): Uncertain significance (1 of 4 stars; one submission).

Allele frequency attached by ClinVar (database versions not stated): gnomAD exomes below 0.00001; TOPMed below 0.00001.

Submission:

Ambry Genetics
Classification: Uncertain significance. Last evaluated: 2021-11-14. Review status: criteria provided, single submitter. Criteria: Ambry Variant Classification Scheme 2023. Collection method: clinical testing. Allele origin: germline.
Comment: The p.M144V variant (also known as c.430A>G), located in coding exon 5 of the PRKDC gene, results from an A to G substitution at nucleotide position 430. The methionine at codon 144 is replaced by valine, an amino acid with highly similar properties. This amino acid position is conserved. In addition, this alteration is predicted to be tolerated by in silico analysis. Since supporting evidence is limited at this time, the clinical significance of this alteration remains unclear.

NM_006904.7(PRKDC):c.430A>G (p.Met144Val)

Gene: PRKDC (protein kinase, DNA-activated, catalytic subunit; minus strand). Cytogenetic location: 8q11.21.
Variant type: single nucleotide variant.
Coding change: c.430A>G on transcript NM_006904.7 (MANE Select); coding-DNA position 430, A replaced by G.
Protein change: p.Met144Val; replaces methionine 144 with valine.
Molecular consequence: missense variant.
Genome position (GRCh38, 1-based): chr8:47,954,416, T>C on the plus strand (A>G on the coding strand, the complement: PRKDC is on the minus strand). VCF-style: chr8-47954416-T-C. GRCh37 (hg19) VCF-style: chr8-48866976-T-C.
Other names: c.430A>G, p.Met144Val (NM_001081640.2); short protein forms M144V.
Identifiers: ClinVar variation 1739608 (VCV001739608.2), dbSNP rs1352524606, ClinGen allele CA371139177.